The following is an entry in ClinVar:

ClinVar aggregate classification (germline): Pathogenic. Review status: reviewed by expert panel (3 of 4 stars). 7 submissions from 7 submitters: Pathogenic (1). 6 of the submissions do not count toward it. Last evaluated 2016-09-08.

Conditions:
Hereditary cancer-predisposing syndrome. Also called: Hereditary Cancer Syndrome; Hereditary neoplastic syndrome; Neoplastic Syndromes, Hereditary; Tumor predisposition. Identifiers: Orphanet 140162, MedGen C0027672, MeSH D009386, MONDO:0015356.
Breast-ovarian cancer, familial, susceptibility to, 1 (BROVCA1). Also called: BRCA1 Hereditary Breast and Ovarian Cancer; OVARIAN CANCER, SUSCEPTIBILITY TO. Identifiers: Orphanet 145, MedGen C2676676, MONDO:0011450, OMIM 604370. Disease mechanism: loss of function.
Hereditary breast ovarian cancer syndrome. Also called: BRCA1- and BRCA2-Associated Hereditary Breast and Ovarian Cancer; Hereditary breast and ovarian cancer syndrome; Hereditary breast and ovarian cancer syndrome (HBOC); Breast and ovarian cancer; Hereditary breast and/or ovarian cancer syndrome; Hereditary breast and ovarian cancer. Identifiers: Orphanet 145, MedGen C0677776, MeSH D061325, MONDO:0003582. Disease mechanism: loss of function.

Submissions (7):

Evidence-based Network for the Interpretation of Germline Mutant Alleles (ENIGMA)
Classification: Pathogenic for Breast-ovarian cancer, familial, susceptibility to, 1. Last evaluated: 2016-09-08. Review status: reviewed by expert panel. Criteria: ENIGMA BRCA1/2 Classification Criteria (2015). Collection method: curation. Allele origin: germline.
Comment: Variant allele predicted to encode a truncated non-functional protein.

Labcorp Genetics (formerly Invitae), Labcorp
Classification: Pathogenic for Hereditary breast ovarian cancer syndrome. Last evaluated: 2022-03-26. Review status: criteria provided, single submitter. Criteria: Invitae Variant Classification Sherloc (09022015). Collection method: clinical testing. Allele origin: germline. Not counted in ClinVar's aggregate classification.
Comment: For these reasons, this variant has been classified as Pathogenic. ClinVar contains an entry for this variant (Variation ID: 55168). This variant is also known as 4440insG. This premature translational stop signal has been observed in individual(s) with breast or ovarian cancer (PMID: 16284991, 30154229). This variant is not present in population databases (gnomAD no frequency). This sequence change creates a premature translational stop signal (p.Asp1441Glyfs*21) in the BRCA1 gene. It is expected to result in an absent or disrupted protein product. Loss-of-function variants in BRCA1 are known to be pathogenic (PMID: 20104584).

Quest Diagnostics Nichols Institute San Juan Capistrano
Classification: Pathogenic. Last evaluated: 2019-12-27. Review status: criteria provided, single submitter. Criteria: Quest Diagnostics criteria. Collection method: clinical testing. Allele origin: unknown. Not counted in ClinVar's aggregate classification.
Comment: The variant results in a shift of the reading frame, and is therefore predicted to result in the loss of a functional protein. Found in at least one patient with expected phenotype for this gene, and not found in general population data.

Ambry Genetics
Classification: Pathogenic for Hereditary cancer-predisposing syndrome. Last evaluated: 2019-05-16. Review status: criteria provided, single submitter. Criteria: Ambry Variant Classification Scheme 2023. Collection method: clinical testing. Allele origin: germline. Not counted in ClinVar's aggregate classification.
Comment: The c.4321dupG pathogenic mutation, located in coding exon 11 of the BRCA1 gene, results from a duplication of G at nucleotide position 4321, causing a translational frameshift with a predicted alternate stop codon (p.D1441Gfs*21). This mutation has been reported in an individual with ovarian cancer who also had a family history of breast and/or ovarian cancer (Pal T et al. Cancer 2005 Dec;104(12):2807-16). This alteration is expected to result in loss of function by premature protein truncation or nonsense-mediated mRNA decay. As such, this alteration is interpreted as a disease-causing mutation.

Consortium of Investigators of Modifiers of BRCA1/2 (CIMBA), c/o University of Cambridge
Classification: Pathogenic for Breast-ovarian cancer, familial, susceptibility to, 1. Last evaluated: 2015-10-02. Review status: criteria provided, single submitter. Criteria: CIMBA Mutation Classification guidelines May 2016. Collection method: clinical testing. Allele origin: germline. Not counted in ClinVar's aggregate classification.

Research Molecular Genetics Laboratory, Women's College Hospital, University of Toronto
Classification: Pathogenic for Hereditary breast ovarian cancer syndrome. Last evaluated: 2014-01-31. Review status: no assertion criteria provided. Collection method: research. Allele origin: germline. Affected: yes. Study: The Canadian Open Genetics Repository (COGR). Not counted in ClinVar's aggregate classification.

Breast Cancer Information Core (BIC) (BRCA1)
Classification: Pathogenic for Breast-ovarian cancer, familial 1. Last evaluated: 2002-05-29. Review status: no assertion criteria provided. Collection method: clinical testing. Allele origin: germline. Affected: yes. Observed: 2 variant alleles. Not counted in ClinVar's aggregate classification.

Literature cited by the submitters: PubMed 16284991 (cited by Labcorp Genetics (formerly Invitae), Labcorp and Quest Diagnostics Nichols Institute San Juan Capistrano); PubMed 30154229 (cited by Labcorp Genetics (formerly Invitae), Labcorp); PubMed 20104584 (cited by Labcorp Genetics (formerly Invitae), Labcorp); PubMed 29446198 (cited by Quest Diagnostics Nichols Institute San Juan Capistrano).

NM_007294.4(BRCA1):c.4321dup (p.Asp1441fs)

Gene: BRCA1 (BRCA1 DNA repair associated; minus strand). Cytogenetic location: 17q21.31.
Variant type: Duplication.
Coding change: c.4321dup on transcript NM_007294.4 (MANE Select); coding-DNA position 4321, one base duplicated (G; older notation c.4321dupG).
Protein change: p.Asp1441fs; shifts the reading frame from aspartic acid 1441.
Molecular consequence: frameshift variant. On other transcripts: non-coding transcript variant (1).
Genome position (GRCh38, 1-based): chr17:43,082,440, C duplicated on the plus strand (G on the coding strand, the reverse complement: BRCA1 is on the minus strand); the first of 2 consecutive C bases (chr17:43,082,440-43,082,441); duplicating either gives the same sequence. VCF-style (leftmost placement, unchanged base first): chr17-43082439-T-TC. GRCh37 (hg19) VCF-style: chr17-41234456-T-TC.
Other names: 4440insG; c.4321dupG (NM_007294.3); c.4107dup, p.Asp1370Glyfs (NM_001407571.1, NM_001407853.1, NM_001407894.1 and 12 more transcripts); c.4320dup, p.Asp1441Glyfs (NM_001407581.1, NM_001407582.1, NM_001407583.1 and 22 more transcripts); c.4317dup, p.Asp1440Glyfs (NM_001407587.1, NM_001407590.1, NM_001407591.1 and 21 more transcripts); c.4314dup, p.Asp1439Glyfs (NM_001407627.1, NM_001407628.1, NM_001407629.1 and 5 more transcripts); c.4308dup, p.Asp1437Glyfs (NM_001407646.1, NM_001407647.1); c.4197dup, p.Asp1400Glyfs (NM_001407648.1, NM_001407664.1, NM_001407665.1 and 13 more transcripts); and 56 more; short protein forms D1441fs, D338fs, D1394fs.
Identifiers: ClinVar variation 55168 (VCV000055168.15), dbSNP rs80357748, ClinGen allele CA002767.